The following is an entry in ClinVar:

ClinVar aggregate classification (germline): Uncertain significance (1 of 4 stars; one submission).

Conditions:
Rubinstein-Taybi syndrome due to EP300 haploinsufficiency. Also called: RUBINSTEIN-TAYBI SYNDROME 2; EP300-Related Rubinstein-Taybi Syndrome. Identifiers: Orphanet 353284, Orphanet 783, MedGen C3150941, MONDO:0013364, OMIM 613684.

Submission:

Labcorp Genetics (formerly Invitae), Labcorp
Classification: Uncertain significance for Rubinstein-Taybi syndrome due to EP300 haploinsufficiency. Last evaluated: 2025-06-12. Review status: criteria provided, single submitter. Criteria: Invitae Variant Classification Sherloc (09022015). Collection method: clinical testing. Allele origin: germline.
Comment: This sequence change affects codon 684 of the EP300 mRNA. It is a 'silent' change, meaning that it does not change the encoded amino acid sequence of the EP300 protein. It affects a nucleotide within the consensus splice site. This variant is not present in population databases (gnomAD no frequency). This variant has not been reported in the literature in individuals affected with EP300-related conditions. ClinVar contains an entry for this variant (Variation ID: 2861775). Algorithms developed to predict the effect of sequence changes on RNA splicing suggest that this variant is not likely to affect RNA splicing. In summary, the available evidence is currently insufficient to determine the role of this variant in disease. Therefore, it has been classified as a Variant of Uncertain Significance.

NM_001429.4(EP300):c.2052T>G (p.Ser684=)

Gene: EP300 (EP300 lysine acetyltransferase; plus strand). Cytogenetic location: 22q13.2.
Variant type: single nucleotide variant.
Coding change: c.2052T>G on transcript NM_001429.4 (MANE Select); coding-DNA position 2052, T replaced by G.
Protein change: p.Ser684=; no amino-acid change (serine 684 retained).
Molecular consequence: synonymous variant.
Genome position (GRCh38, 1-based): chr22:41,141,221, T>G. VCF-style: chr22-41141221-T-G. GRCh37 (hg19) VCF-style: chr22-41537225-T-G.
Other names: c.2052T>G, p.Ser684= (NM_001362843.2).
Identifiers: ClinVar variation 2861775 (VCV002861775.3), dbSNP rs2145726551, ClinGen allele CA514639185.